The following is an entry in ClinVar:

NM_014000.3(VCL):c.2545C>T (p.Leu849Phe)

Gene: VCL (vinculin; plus strand). Cytogenetic location: 10q22.2.
Variant type: single nucleotide variant.
Coding change: c.2545C>T on transcript NM_014000.3 (MANE Select); coding-DNA position 2545, C replaced by T.
Protein change: p.Leu849Phe; replaces leucine 849 with phenylalanine.
Molecular consequence: missense variant.
Genome position (GRCh38, 1-based): chr10:74,107,340, C>T. VCF-style: chr10-74107340-C-T. GRCh37 (hg19) VCF-style: chr10-75867098-C-T.
Other names: c.2545C>T, p.Leu849Phe (NM_003373.4); short protein forms L849F.
Identifiers: ClinVar variation 4751485 (VCV004751485.1).

ClinVar aggregate classification (germline): Uncertain significance (1 of 4 stars; one submission).

Conditions:
Dilated cardiomyopathy 1W (CMD1W). Identifiers: Orphanet 154, MedGen C1969639, MONDO:0012667, OMIM 611407.

Submission:

Labcorp Genetics (formerly Invitae), Labcorp
Classification: Uncertain significance for Dilated cardiomyopathy 1W. Last evaluated: 2025-03-13. Review status: criteria provided, single submitter. Criteria: Invitae Variant Classification Sherloc (09022015). Collection method: clinical testing. Allele origin: germline.
Comment: This sequence change replaces leucine, which is neutral and non-polar, with phenylalanine, which is neutral and non-polar, at codon 849 of the VCL protein (p.Leu849Phe). This variant is not present in population databases (gnomAD no frequency). This variant has not been reported in the literature in individuals affected with VCL-related conditions. An algorithm developed to predict the effect of missense changes on protein structure and function (PolyPhen-2) suggests that this variant is likely to be disruptive. In summary, the available evidence is currently insufficient to determine the role of this variant in disease. Therefore, it has been classified as a Variant of Uncertain Significance.